The following is an entry in ClinVar:

ClinVar aggregate classification (germline): Uncertain significance. Review status: criteria provided, multiple submitters, no conflicts (2 of 4 stars). 3 submissions from 3 submitters: Uncertain significance (3). Last evaluated 2021-09-16.

Conditions:
Cardiovascular phenotype. Identifiers: MedGen CN230736.
Walker-Warburg congenital muscular dystrophy. Also called: Muscular dystrophy-dystroglycanopathy, type A; Walker-Warburg syndrome. Identifiers: Orphanet 899, MedGen C0265221, MONDO:0000171.
Muscular dystrophy-dystroglycanopathy (congenital with brain and eye anomalies), type A1 (MDDGA1). Also called: WALKER-WARBURG SYNDROME OR MUSCLE-EYE-BRAIN DISEASE, POMT1-RELATED; Hydrocephalus, agyria and retinal dysplasia; Hard +/- E syndrome; Warburg syndrome; Chemke syndrome; Pagon syndrome. Identifiers: Orphanet 588, Orphanet 899, MedGen C4284790, MONDO:0009364, OMIM 236670.
Muscular dystrophy-dystroglycanopathy type B5 (MDDGB5). Also called: MUSCULAR DYSTROPHY, CONGENITAL, 1C; MUSCULAR DYSTROPHY, CONGENITAL, FKRP-RELATED; MUSCULAR DYSTROPHY-DYSTROGLYCANOPATHY (CONGENITAL WITH OR WITHOUT IMPAIRED INTELLECTUAL DEVELOPMENT), TYPE B, 5. Identifiers: MedGen C1847759, MONDO:0011688, OMIM 606612.
Autosomal recessive limb-girdle muscular dystrophy type 2I. Also called: MUSCULAR DYSTROPHY-DYSTROGLYCANOPATHY, LIMB-GIRDLE, FRKP-RELATED; MUSCULAR DYSTROPHY, LIMB-GIRDLE, TYPE 2I; MUSCULAR DYSTROPHY-DYSTROGLYCANOPATHY (LIMB-GIRDLE), TYPE C, 5. Identifiers: Orphanet 34515, MedGen C1846672, MONDO:0011787, OMIM 607155.
Muscular dystrophy-dystroglycanopathy (congenital with brain and eye anomalies), type A5. Also called: WALKER-WARBURG SYNDROME OR MUSCLE-EYE-BRAIN DISEASE, FKRP-RELATED; MUSCULAR DYSTROPHY-DYSTROGLYCANOPATHY (CONGENITAL WITH BRAIN AND EYE ANOMALIES), TYPE A, 5. Identifiers: Orphanet 588, Orphanet 899, MedGen C3150413, MONDO:0013157, OMIM 613153.

Allele frequency attached by ClinVar (database versions not stated): gnomAD exomes 0.00001 and 0.00002; ExAC 0.00025.

Submissions (3):

Fulgent Genetics
Classification: Uncertain significance for Muscular dystrophy-dystroglycanopathy (congenital with brain and eye anomalies), type A1; Muscular dystrophy-dystroglycanopathy type B5; Autosomal recessive limb-girdle muscular dystrophy type 2I; Muscular dystrophy-dystroglycanopathy (congenital with brain and eye anomalies), type A5. Last evaluated: 2021-09-16. Review status: criteria provided, single submitter. Criteria: ACMG Guidelines, 2015. Collection method: clinical testing. Allele origin: unknown.

Labcorp Genetics (formerly Invitae), Labcorp
Classification: Uncertain significance for Walker-Warburg congenital muscular dystrophy. Last evaluated: 2021-08-27. Review status: criteria provided, single submitter. Criteria: Invitae Variant Classification Sherloc (09022015). Collection method: clinical testing. Allele origin: germline.
Comment: This sequence change replaces valine with glycine at codon 145 of the FKRP protein (p.Val145Gly). The valine residue is moderately conserved and there is a moderate physicochemical difference between valine and glycine. While this variant is present in population databases (rs745681948), the frequency information is unreliable, as metrics indicate poor data quality at this position in the ExAC database. This variant has not been reported in the literature in individuals affected with FKRP-related conditions. Algorithms developed to predict the effect of missense changes on protein structure and function are either unavailable or do not agree on the potential impact of this missense change (SIFT: "Deleterious"; PolyPhen-2: "Benign"; Align-GVGD: "Class C0"). In summary, the available evidence is currently insufficient to determine the role of this variant in disease. Therefore, it has been classified as a Variant of Uncertain Significance.

Ambry Genetics
Classification: Uncertain significance for Cardiovascular phenotype. Last evaluated: 2021-08-09. Review status: criteria provided, single submitter. Criteria: Ambry Variant Classification Scheme 2023. Collection method: clinical testing. Allele origin: germline.

NM_024301.5(FKRP):c.434T>G (p.Val145Gly)

Gene: FKRP (fukutin related protein; plus strand). Cytogenetic location: 19q13.32.
Variant type: single nucleotide variant.
Coding change: c.434T>G on transcript NM_024301.5 (MANE Select); coding-DNA position 434, T replaced by G.
Protein change: p.Val145Gly; replaces valine 145 with glycine.
Molecular consequence: missense variant.
Genome position (GRCh38, 1-based): chr19:46,755,884, T>G. VCF-style: chr19-46755884-T-G. GRCh37 (hg19) VCF-style: chr19-47259141-T-G.
Other names: c.434T>G (NM_024301.4); c.434T>G, p.Val145Gly (NM_001039885.3); short protein forms V145G.
Identifiers: ClinVar variation 1356546 (VCV001356546.7), dbSNP rs745681948, ClinGen allele CA9532150.
Genomic context (GRCh38, chr19:46,755,884, plus strand): 5'-TTGTGGCCCTAGTACCTGATGGGGCGCGGGCTGAGGCACCTGGCCTGCTGGAGCGCATGG[T>G]GGAGGCGCTCCGCGCAGGAAGCGCACGTCTGGTGGCCGCCCCGGTTGCCACGGCCAACCC-3'
Protein context (NP_077277.1, residues 135-155): AEAPGLLERM[Val145Gly]EALRAGSARL